The following is an entry in ClinVar:

ClinVar aggregate classification (germline): Uncertain significance (1 of 4 stars; one submission).

Conditions:
Hereditary cancer-predisposing syndrome. Also called: Hereditary Cancer Syndrome; Hereditary neoplastic syndrome; Neoplastic Syndromes, Hereditary; Tumor predisposition. Identifiers: Orphanet 140162, MedGen C0027672, MeSH D009386, MONDO:0015356.

Submission:

Sema4
Classification: Uncertain significance for Hereditary cancer-predisposing syndrome. Last evaluated: 2022-03-10. Review status: criteria provided, single submitter. Criteria: Sema4 Curation Guidelines. Collection method: curation. Allele origin: germline.
Comment: The FANCM c.3143A>G (p.N1048S) variant has not been reported in the literature to our knowledge. It was not observed in the Genome Aggregation Database (PMID: 32461654). The variant has not been reported in ClinVar. Functional studies have not been performed, and in silico predictions of the variant's effect on protein function are inconclusive. The evidence is insufficient to meet ACMG/AMP criteria for classifying the variant as benign or pathogenic. Thus, the clinical significance of this variant is currently uncertain.

NM_020937.4(FANCM):c.3143A>G (p.Asn1048Ser)

Gene: FANCM (FA complementation group M; plus strand). Cytogenetic location: 14q21.2.
Variant type: single nucleotide variant.
Coding change: c.3143A>G on transcript NM_020937.4 (MANE Select); coding-DNA position 3143, A replaced by G.
Protein change: p.Asn1048Ser; replaces asparagine 1048 with serine.
Molecular consequence: missense variant.
Genome position (GRCh38, 1-based): chr14:45,175,897, A>G. VCF-style: chr14-45175897-A-G. GRCh37 (hg19) VCF-style: chr14-45645100-A-G.
Other names: c.3065A>G, p.Asn1022Ser (NM_001308133.2); short protein forms N1022S, N1048S.
Identifiers: ClinVar variation 1691898 (VCV001691898.1), dbSNP rs2139246344, ClinGen allele CA389599954.